The following is an entry in ClinVar:

NM_031407.7(HUWE1):c.9765G>A (p.Ser3255=)

Gene: HUWE1 (HECT, UBA and WWE domain containing E3 ubiquitin protein ligase 1; minus strand). Cytogenetic location: Xp11.22.
Variant type: single nucleotide variant.
Coding change: c.9765G>A on transcript NM_031407.7 (MANE Select); coding-DNA position 9765, G replaced by A.
Protein change: p.Ser3255=; no amino-acid change (serine 3255 retained).
Molecular consequence: synonymous variant.
Genome position (GRCh38, 1-based): chrX:53,549,229, C>T on the plus strand (G>A on the coding strand, the complement: HUWE1 is on the minus strand). VCF-style: chrX-53549229-C-T. GRCh37 (hg19) VCF-style: chrX-53576190-C-T.
Identifiers: ClinVar variation 3346576 (VCV003346576.3).

ClinVar aggregate classification (germline): Benign. Review status: criteria provided, single submitter (1 of 4 stars). 2 submissions from 2 submitters: Benign (1). 1 of the submissions does not count toward it. Last evaluated 2024-10-20.

Conditions:
HUWE1-related disorder. Also called: HUWE1-related condition.

gnomAD v4.1: 17 of 1,210,456 alleles (0.0014%); highest among the groups gnomAD compares: South Asian, 0.019%; no homozygotes.

Submissions (2):

Labcorp Genetics (formerly Invitae), Labcorp
Classification: Benign. Last evaluated: 2024-10-20. Review status: criteria provided, single submitter. Criteria: Invitae Variant Classification Sherloc (09022015). Collection method: clinical testing. Allele origin: germline.

PreventionGenetics, part of Exact Sciences
Classification: Likely benign for HUWE1-related condition. Last evaluated: 2024-09-04. Review status: no assertion criteria provided. Collection method: clinical testing. Allele origin: germline. Not counted in ClinVar's aggregate classification.
Comment: This variant is classified as likely benign based on ACMG/AMP sequence variant interpretation guidelines (Richards et al. 2015 PMID: 25741868, with internal and published modifications).